The following is an entry in ClinVar:

NM_006445.4(PRPF8):c.6444G>A (p.Val2148=)

Gene: PRPF8 (pre-mRNA processing factor 8; minus strand). Cytogenetic location: 17p13.3.
Variant type: single nucleotide variant.
Coding change: c.6444G>A on transcript NM_006445.4 (MANE Select); coding-DNA position 6444, G replaced by A.
Protein change: p.Val2148=; no amino-acid change (valine 2148 retained).
Molecular consequence: synonymous variant.
Genome position (GRCh38, 1-based): chr17:1,651,714, C>T on the plus strand (G>A on the coding strand, the complement: PRPF8 is on the minus strand). VCF-style: chr17-1651714-C-T. GRCh37 (hg19) VCF-style: chr17-1555008-C-T.
Other names: c.6444G>A (NM_006445.3).
Identifiers: ClinVar variation 2979092 (VCV002979092.4), dbSNP rs150202804, ClinGen allele CA8271183.

ClinVar aggregate classification (germline): Likely benign. Review status: criteria provided, multiple submitters, no conflicts (2 of 4 stars). 2 submissions from 2 submitters: Likely benign (2). Last evaluated 2025-05-19.

Conditions:
PRPF8-related disorder. Also called: PRPF8-related condition.

Allele frequency attached by ClinVar (database versions not stated): TOPMed below 0.00001; ExAC 0.00001; gnomAD exomes 0.00001; ESP Exome Variant Server 0.00008.
gnomAD v4.1: 13 of 1,614,186 alleles (0.00081%); highest among the groups gnomAD compares: South Asian, 0.0033%; no homozygotes.

Submissions (2):

PreventionGenetics, part of Exact Sciences
Classification: Likely benign for PRPF8-related condition. Last evaluated: 2025-05-19. Review status: criteria provided, single submitter. Criteria: ACMG Guidelines, 2015. Collection method: clinical testing. Allele origin: germline.
Comment: This variant is classified as likely benign based on ACMG/AMP sequence variant interpretation guidelines (Richards et al. 2015 PMID: 25741868, with internal and published modifications).

Labcorp Genetics (formerly Invitae), Labcorp
Classification: Likely benign. Last evaluated: 2023-11-27. Review status: criteria provided, single submitter. Criteria: Invitae Variant Classification Sherloc (09022015). Collection method: clinical testing. Allele origin: germline.